The following is an entry in ClinVar:

NM_001267550.2(TTN):c.21313del (p.Ser7105fs)

Genes: TTN (titin; minus strand), LOC126806428 (BRD4-independent group 4 enhancer GRCh37_chr2:179588362-179589561; plus strand). Cytogenetic location: 2q31.2.
Variant type: Deletion.
Coding change: c.21313del on transcript NM_001267550.2 (MANE Select); coding-DNA position 21313, one base deleted (T; older notation c.21313delT).
Protein change: p.Ser7105fs; shifts the reading frame from serine 7105.
Molecular consequence: frameshift variant. On other transcripts: intron variant (3).
Genome position (GRCh38, 1-based): chr2:178,723,946, A deleted on the plus strand (T on the coding strand, the reverse complement: TTN is on the minus strand); the first of 2 consecutive A bases (chr2:178,723,946-178,723,947); deleting either gives the same sequence. VCF-style (leftmost placement, unchanged base first): chr2-178723945-GA-G. GRCh37 (hg19) VCF-style: chr2-179588672-GA-G.
Other names: c.20362del, p.Ser6788fs (NM_001256850.1); c.17581del, p.Ser5861fs (NM_133378.4); c.13282+14136del (NM_003319.4); c.13858+14136del (NM_133437.4); c.13657+14136del (NM_133432.3); short protein forms S5861fs, S6788fs, S7105fs.
Identifiers: ClinVar variation 3749624 (VCV003749624.2).

ClinVar aggregate classification (germline): Likely pathogenic (1 of 4 stars; one submission).

Conditions:
Dilated cardiomyopathy 1G (CMD1G). Identifiers: Orphanet 154, MedGen C1858763, MONDO:0011400, OMIM 604145.
Autosomal recessive limb-girdle muscular dystrophy type 2J (LGMDR10). Also called: Limb-girdle muscular dystrophy, type 2J; MUSCULAR DYSTROPHY, LIMB-GIRDLE, AUTOSOMAL RECESSIVE 10. Identifiers: Orphanet 140922, MedGen C1837342, MONDO:0012127, OMIM 608807.

Submission:

Labcorp Genetics (formerly Invitae), Labcorp
Classification: Likely pathogenic for Dilated cardiomyopathy 1G; Autosomal recessive limb-girdle muscular dystrophy type 2J. Last evaluated: 2024-07-03. Review status: criteria provided, single submitter. Criteria: Invitae Variant Classification Sherloc (09022015). Collection method: clinical testing. Allele origin: germline.
Comment: While this is not anticipated to result in nonsense mediated decay, it is expected to create a truncated TTN protein. While this is not anticipated to result in nonsense mediated decay, it is expected to disrupt the last 28887 amino acid(s) of the TTN protein. This variant is not present in population databases (gnomAD no frequency). This variant has not been observed in the literature in individuals with autosomal recessive TTN-related conditions. This variant has been reported in individual(s) with peripartum cardiomyopathy (PMID: 33874732); however, the role of the variant in this condition is currently unclear. Algorithms developed to predict the effect of sequence changes on RNA splicing suggest that this variant may disrupt the consensus splice site. This variant is located in the I band of TTN (PMID: 25589632). Truncating variants in this region have been reported in individuals affected with autosomal recessive centronuclear myopathy (PMID: 23975875, Invitae internal data). Truncating variants in this region have also been identified in individuals affected with autosomal dominant dilated cardiomyopathy and/or cardio-related conditions (PMID: 27869827, 32964742, Invitae internal data). In summary, the currently available evidence indicates that the variant is pathogenic, but additional data are needed to prove that conclusively. Therefore, this variant has been classified as Likely Pathogenic.

Literature cited by the submitters: PubMed 33874732; PubMed 25589632; PubMed 23975875; PubMed 27869827; PubMed 32964742.